The following is an entry in ClinVar:

NM_000553.6(WRN):c.956C>T (p.Ser319Phe)

Gene: WRN (WRN RecQ like helicase; plus strand). Cytogenetic location: 8p12.
Variant type: single nucleotide variant.
Coding change: c.956C>T on transcript NM_000553.6 (MANE Select); coding-DNA position 956, C replaced by T.
Protein change: p.Ser319Phe; replaces serine 319 with phenylalanine.
Molecular consequence: missense variant.
Genome position (GRCh38, 1-based): chr8:31,080,983, C>T. VCF-style: chr8-31080983-C-T. GRCh37 (hg19) VCF-style: chr8-30938499-C-T.
Other names: short protein forms S319F.
Identifiers: ClinVar variation 649261 (VCV000649261.8), dbSNP rs1001988186, ClinGen allele CA174858447.

ClinVar aggregate classification (germline): Uncertain significance. Review status: criteria provided, multiple submitters, no conflicts (2 of 4 stars). 2 submissions from 2 submitters: Uncertain significance (2). Last evaluated 2023-06-01.

Conditions:
WRN-related disorder. Also called: WRN-related condition.
Werner syndrome (WRN). Identifiers: Orphanet 902, MedGen C0043119, MONDO:0010196, OMIM 277700.

Allele frequency attached by ClinVar (database versions not stated): TOPMed 0.00001.

Submissions (2):

Labcorp Genetics (formerly Invitae), Labcorp
Classification: Uncertain significance for Werner syndrome. Last evaluated: 2023-06-01. Review status: criteria provided, single submitter. Criteria: Invitae Variant Classification Sherloc (09022015). Collection method: clinical testing. Allele origin: germline.
Comment: In summary, the available evidence is currently insufficient to determine the role of this variant in disease. Therefore, it has been classified as a Variant of Uncertain Significance. An algorithm developed to predict the effect of missense changes on protein structure and function (PolyPhen-2) suggests that this variant is likely to be disruptive. ClinVar contains an entry for this variant (Variation ID: 649261). This variant has not been reported in the literature in individuals affected with WRN-related conditions. This variant is not present in population databases (gnomAD no frequency). This sequence change replaces serine, which is neutral and polar, with phenylalanine, which is neutral and non-polar, at codon 319 of the WRN protein (p.Ser319Phe).

PreventionGenetics, part of Exact Sciences
Classification: Uncertain significance for WRN-related condition. Last evaluated: 2022-10-06. Review status: criteria provided, single submitter. Criteria: ACMG Guidelines, 2015. Collection method: clinical testing. Allele origin: germline.
Comment: The WRN c.956C>T variant is predicted to result in the amino acid substitution p.Ser319Phe. To our knowledge, this variant has not been reported in the literature or in a large population database, indicating this variant is rare. In ClinVar, this variant is interpreted as uncertain. At this time, the clinical significance of this variant is uncertain due to the absence of conclusive functional and genetic evidence.